The following is an entry in ClinVar:

ClinVar aggregate classification (germline): Uncertain significance (1 of 4 stars; one submission).

Conditions:
Congenital myasthenic syndrome 4A. Also called: Myasthenic syndrome, congenital, 4a, slow-channel; CONGENITAL MYASTHENIC SYNDROME TYPE Ia1; MYASTHENIC SYNDROME, CONGENITAL, 4A, SLOW-CHANNEL, AUTOSOMAL RECESSIVE. Identifiers: Orphanet 590, MedGen C4225413, MONDO:0011600, OMIM 605809.

Allele frequency attached by ClinVar (database versions not stated): gnomAD exomes below 0.00001.
gnomAD v4.1: 8 of 1,614,108 alleles (0.0005%); highest among the groups gnomAD compares: South Asian, 0.0022%; no homozygotes.

Submission:

Labcorp Genetics (formerly Invitae), Labcorp
Classification: Uncertain significance for Congenital myasthenic syndrome 4A. Last evaluated: 2022-08-24. Review status: criteria provided, single submitter. Criteria: Invitae Variant Classification Sherloc (09022015). Collection method: clinical testing. Allele origin: germline.
Comment: This sequence change replaces asparagine, which is neutral and polar, with serine, which is neutral and polar, at codon 172 of the CHRNE protein (p.Asn172Ser). This variant is present in population databases (no rsID available, gnomAD 0.007%). This variant has not been reported in the literature in individuals affected with CHRNE-related conditions. Advanced modeling of protein sequence and biophysical properties (such as structural, functional, and spatial information, amino acid conservation, physicochemical variation, residue mobility, and thermodynamic stability) performed at Invitae indicates that this missense variant is not expected to disrupt CHRNE protein function. In summary, the available evidence is currently insufficient to determine the role of this variant in disease. Therefore, it has been classified as a Variant of Uncertain Significance.

NM_000080.4(CHRNE):c.515A>G (p.Asn172Ser)

Genes: C17orf107 (chromosome 17 open reading frame 107; plus strand), CHRNE (cholinergic receptor nicotinic epsilon subunit; minus strand). Cytogenetic location: 17p13.2.
Variant type: single nucleotide variant.
Coding change: c.515A>G on transcript NM_000080.4 (MANE Select); coding-DNA position 515, A replaced by G.
Protein change: p.Asn172Ser; replaces asparagine 172 with serine.
Molecular consequence: missense variant. On other transcripts: 3 prime UTR variant (1).
Genome position (GRCh38, 1-based): chr17:4,901,611, T>C on the plus strand (A>G on the coding strand, the complement: CHRNE is on the minus strand). VCF-style: chr17-4901611-T-C. GRCh37 (hg19) VCF-style: chr17-4804906-T-C.
Other names: c.*1078T>C (NM_001145536.2); short protein forms N172S.
Identifiers: ClinVar variation 1988036 (VCV001988036.1), dbSNP rs1439010217, ClinGen allele CA397306015.